The following is an entry in ClinVar:

ClinVar aggregate classification (germline): Uncertain significance (1 of 4 stars; one submission).

Submission:

GeneDx
Classification: Uncertain significance. Last evaluated: 2025-06-08. Review status: criteria provided, single submitter. Criteria: GeneDx Variant Classification Process June 2021. Collection method: clinical testing. Allele origin: germline. Affected: yes.
Comment: Not observed at significant frequency in large population cohorts (gnomAD); In silico analysis suggests that this missense variant does not alter protein structure/function; Has not been previously published as pathogenic or benign to our knowledge

NM_006885.4(ZFHX3):c.3626A>G (p.Lys1209Arg)

Genes: ZFHX3 (zinc finger homeobox 3; minus strand), ZFHX3-AS1 (ZFHX3 antisense RNA 1; plus strand). Cytogenetic location: 16q22.3.
Variant type: single nucleotide variant.
Coding change: c.3626A>G on transcript NM_006885.4 (MANE Select); coding-DNA position 3626, A replaced by G.
Protein change: p.Lys1209Arg; replaces lysine 1209 with arginine.
Molecular consequence: missense variant.
Genome position (GRCh38, 1-based): chr16:72,811,942, T>C on the plus strand (A>G on the coding strand, the complement: ZFHX3 is on the minus strand). VCF-style: chr16-72811942-T-C. GRCh37 (hg19) VCF-style: chr16-72845841-T-C.
Other names: c.3626A>G, p.Lys1209Arg (NM_001386735.1); c.884A>G, p.Lys295Arg (NM_001164766.2); short protein forms K1209R, K295R.
Identifiers: ClinVar variation 4536199 (VCV004536199.1).
Genomic context (GRCh38, chr16:72,811,942, plus strand): 5'-AGCAGAGTCCCTTCCAGCCTCACCTGCTCCGGTTTGATCTCCTCAGCTGTTTTTGGTCGC[T>C]TCGAAGAGAGGGGAGACTCTGAGCTACCTGGGAAGGAGATGCGTTTGGAGGTTGCAGGAG-3'
Protein context (NP_008816.3, residues 1199-1219): PGSSESPLSS[Lys1209Arg]RPKTAEEIKP